The following is an entry in ClinVar:

NM_001304561.2(BTNL2):c.850C>T (p.Arg284Ter)

Genes: BTNL2 (butyrophilin like 2), TSBP1-AS1 (TSBP1 and BTNL2 antisense RNA 1). Cytogenetic location: 6p21.32.
Variant type: single nucleotide variant.
Coding change: c.850C>T on transcript NM_001304561.2 (MANE Select); coding-DNA position 850, C replaced by T.
Protein change: p.Arg284Ter; replaces arginine 284 with a stop codon.
Molecular consequence: nonsense.
Genome position (GRCh38, 1-based): chr6:32,396,267, G>A on the plus strand (C>T on the coding strand, the complement: BTNL2 is on the minus strand). VCF-style: chr6-32396267-G-A. GRCh37 (hg19) VCF-style: chr6-32364044-G-A.
Other names: short protein forms R284*.
Identifiers: ClinVar variation 3341585 (VCV003341585.16).

ClinVar aggregate classification (germline): Benign (1 of 4 stars; one submission).

gnomAD v4.1: 1,598 of 1,612,990 alleles (0.099%); highest among the groups gnomAD compares: African/African-American, 1.8%; 13 homozygotes.

Submission:

CeGaT Center for Human Genetics Tuebingen
Classification: Benign. Last evaluated: 2024-08-01. Review status: criteria provided, single submitter. Criteria: CeGaT Center For Human Genetics Tuebingen Variant Classification Criteria Version 2. Collection method: clinical testing. Allele origin: germline. Affected: yes. Observed: 1 variant allele.
Comment: BTNL2: BS1, BS2